The following is an entry in ClinVar:

NM_000202.8(IDS):c.1483A>G (p.Ile495Val)

Gene: IDS (iduronate 2-sulfatase; minus strand). Cytogenetic location: Xq28.
Variant type: single nucleotide variant.
Coding change: c.1483A>G on transcript NM_000202.8 (MANE Select); coding-DNA position 1483, A replaced by G.
Protein change: p.Ile495Val; replaces isoleucine 495 with valine.
Molecular consequence: missense variant.
Genome position (GRCh38, 1-based): chrX:149,482,916, T>C on the plus strand (A>G on the coding strand, the complement: IDS is on the minus strand). VCF-style: chrX-149482916-T-C. GRCh37 (hg19) VCF-style: chrX-148564447-T-C.
Other names: c.1213A>G, p.Ile405Val (NM_001166550.4); short protein forms I405V, I495V.
Identifiers: ClinVar variation 1436235 (VCV001436235.8), dbSNP rs782228221, ClinGen allele CA10537439.

ClinVar aggregate classification (germline): Uncertain significance (1 of 4 stars; one submission).

Conditions:
Mucopolysaccharidosis, MPS-II (MPS2). Also called: IDURONATE 2-SULFATASE DEFICIENCY; Mucopolysaccharidosis Type II; Mucopolysaccharidosis type 2; IDS deficiency; Sulfoiduronate sulfatase deficiency; SIDS deficiency. Identifiers: Orphanet 580, Orphanet 79388, MedGen C0026705, MONDO:0010674, OMIM 309900.

Allele frequency attached by ClinVar (database versions not stated): gnomAD exomes below 0.00001 and 0.00001; TOPMed below 0.00001; ExAC 0.00001.
gnomAD v4.1: 3 of 1,211,652 alleles (0.00025%); highest among the groups gnomAD compares: Admixed American, 0.0022%; no homozygotes.

Submission:

Labcorp Genetics (formerly Invitae), Labcorp
Classification: Uncertain significance for Mucopolysaccharidosis, MPS-II. Last evaluated: 2021-03-03. Review status: criteria provided, single submitter. Criteria: Invitae Variant Classification Sherloc (09022015). Collection method: clinical testing. Allele origin: germline.
Comment: In summary, the available evidence is currently insufficient to determine the role of this variant in disease. Therefore, it has been classified as a Variant of Uncertain Significance. Algorithms developed to predict the effect of missense changes on protein structure and function output the following: SIFT: "Tolerated"; PolyPhen-2: "Benign"; Align-GVGD: "Class C0". The valine amino acid residue is found in multiple mammalian species, suggesting that this missense change does not adversely affect protein function. These predictions have not been confirmed by published functional studies and their clinical significance is uncertain. This variant has not been reported in the literature in individuals with IDS-related conditions. This variant is present in population databases (rs782228221, ExAC 0.01%). This sequence change replaces isoleucine with valine at codon 495 of the IDS protein (p.Ile495Val). The isoleucine residue is weakly conserved and there is a small physicochemical difference between isoleucine and valine.